The following is an entry in ClinVar:

NM_001256071.3(RNF213):c.14072A>G (p.His4691Arg)

Genes: RNF213 (ring finger protein 213; plus strand), RNF213-AS1 (RNF213 antisense RNA 1; minus strand). Cytogenetic location: 17q25.3.
Variant type: single nucleotide variant.
Coding change: c.14072A>G on transcript NM_001256071.3 (MANE Select); coding-DNA position 14072, A replaced by G.
Protein change: p.His4691Arg; replaces histidine 4691 with arginine.
Molecular consequence: missense variant.
Genome position (GRCh38, 1-based): chr17:80,383,678, A>G. VCF-style: chr17-80383678-A-G. GRCh37 (hg19) VCF-style: chr17-78357478-A-G.
Other names: p.His4691Arg; short protein forms H4691R.
Identifiers: ClinVar variation 1600883 (VCV001600883.11), dbSNP rs12944088, ClinGen allele CA8822859.

ClinVar aggregate classification (germline): Benign/Likely benign. Review status: criteria provided, multiple submitters, no conflicts (2 of 4 stars). 3 submissions from 3 submitters: Benign (2); Likely benign (1). Last evaluated 2026-01-28.

Allele frequency attached by ClinVar (database versions not stated): gnomAD 0.01794 and 0.01799; ESP Exome Variant Server 0.01991; ExAC 0.01498; gnomAD exomes 0.01471 and 0.01585; 1000 Genomes Project 0.01777; TOPMed 0.01956; 1000 Genomes Project 30x 0.01843.
gnomAD v4.1: 25,909 of 1,613,818 alleles (1.6%); highest among the groups gnomAD compares: Middle Eastern, 3.6%; 275 homozygotes.

Submissions (3):

Labcorp Genetics (formerly Invitae), Labcorp
Classification: Benign. Last evaluated: 2026-01-28. Review status: criteria provided, single submitter. Criteria: Invitae Variant Classification Sherloc (09022015). Collection method: clinical testing. Allele origin: germline.

Mayo Clinic Laboratories, Mayo Clinic
Classification: Likely benign. Last evaluated: 2025-10-09. Review status: criteria provided, single submitter. Criteria: ACMG Guidelines, 2015. Collection method: clinical testing. Allele origin: germline. Observed: 8 variant alleles.
Comment: BS1, BS2, BP4, PS4_supporting

Breakthrough Genomics
Classification: Benign. Review status: criteria provided, single submitter. Criteria: ACMG Guidelines, 2015. Collection method: not provided. Allele origin: germline. Inheritance: Autosomal dominant inheritance. Affected: yes.

Literature cited by the submitters: PubMed 27745834 (cited by Mayo Clinic Laboratories, Mayo Clinic).